The following is an entry in ClinVar:

ClinVar aggregate classification (germline): Pathogenic/Likely pathogenic. Review status: criteria provided, multiple submitters, no conflicts (2 of 4 stars). 2 submissions from 2 submitters: Pathogenic (1); Likely pathogenic (1). Last evaluated 2024-07-22.

Conditions:
Familial hyperinsulinism. Also called: Congenital hyperinsulinism. Identifiers: Orphanet 276525, MedGen C3888018, MONDO:0017182. Disease mechanism: loss of function.
Hyperinsulinism-hyperammonemia syndrome (HHF6). Identifiers: Orphanet 35878, MedGen C1847555, MONDO:0011717, OMIM 606762.

Submissions (2):

Women's Health and Genetics/Laboratory Corporation of America, LabCorp
Classification: Pathogenic for Familial hyperinsulinism. Last evaluated: 2024-07-22. Review status: criteria provided, single submitter. Criteria: LabCorp Variant Classification Summary - May 2015. Collection method: clinical testing. Allele origin: germline.
Comment: Variant summary: GLUD1 c.943C>T (p.His315Tyr) results in a conservative amino acid change located in the Glutamate/phenylalanine/leucine/valine/L-tryptophan dehydrogenase, C-terminal domain (IPR006096) of the encoded protein sequence. Three of five in-silico tools predict a benign effect of the variant on protein function. The variant was absent in 251474 control chromosomes (gnomAD). c.943C>T has been reported in the literature in individuals affected with Congenital Hyperinsulinism/Hyperinsulinism Hyperammonaemia Syndrome, including as a de novo occurrence (e.g.Halldorsdottir_2000, Faletra_2013, Roy_2019, Dong_2020). These data indicate that the variant is very likely to be associated with disease. The following publications have been ascertained in the context of this evaluation (PMID: 31119523, 32005694, 34992182, 23506826). ClinVar contains an entry for this variant (Variation ID: 1802279). Based on the evidence outlined above, the variant was classified as pathogenic.

Diagnostics Services (NGS), CSIR - Centre For Cellular And Molecular Biology
Classification: Likely pathogenic for Hyperinsulinism-hyperammonemia syndrome. Last evaluated: 2022-11-29. Review status: criteria provided, single submitter. Criteria: ACMG Guidelines, 2015. Collection method: clinical testing. Allele origin: unknown. Affected: yes. Observed: 1 variant allele, 1 heterozygote.
Comment: The c.943C>T variant is not present in publicly available population databases like 1000 Genomes, ExAC, EVS, gnomAD, Indian Exome Database or our in-house exome database. This variant has been observed in affected individuals, published in literature (PMID: 34992182, 35951311, 31119523, 23506826, 22730017) and reported to the Human Gene Mutation Database (HGMD ID: CM004844). Predictions from different in silico pathogenicity prediction programs like SIFT, PolyPhen2, MutationTaster2, CADD, Varsome, Franklin InterVar etc are contradictory. This variant is located in a mutational hotspot region of the gene, where other pathogenic variants have been previously reported.

Literature cited by the submitters: PubMed 32005694 (cited by Women's Health and Genetics/Laboratory Corporation of America, LabCorp); PubMed 23506826 (cited by Women's Health and Genetics/Laboratory Corporation of America, LabCorp and Diagnostics Services (NGS), CSIR - Centre For Cellular And Molecular Biology); PubMed 34992182 (cited by Women's Health and Genetics/Laboratory Corporation of America, LabCorp and Diagnostics Services (NGS), CSIR - Centre For Cellular And Molecular Biology); PubMed 31119523 (cited by Women's Health and Genetics/Laboratory Corporation of America, LabCorp and Diagnostics Services (NGS), CSIR - Centre For Cellular And Molecular Biology); PubMed 35951311 (cited by Diagnostics Services (NGS), CSIR - Centre For Cellular And Molecular Biology); PubMed 22730017 (cited by Diagnostics Services (NGS), CSIR - Centre For Cellular And Molecular Biology).

NM_005271.5(GLUD1):c.943C>T (p.His315Tyr)

Gene: GLUD1 (glutamate dehydrogenase 1; minus strand). Cytogenetic location: 10q23.2.
Variant type: single nucleotide variant.
Coding change: c.943C>T on transcript NM_005271.5 (MANE Select); coding-DNA position 943, C replaced by T.
Protein change: p.His315Tyr; replaces histidine 315 with tyrosine.
Molecular consequence: missense variant.
Genome position (GRCh38, 1-based): chr10:87,061,031, G>A on the plus strand (C>T on the coding strand, the complement: GLUD1 is on the minus strand). VCF-style: chr10-87061031-G-A. GRCh37 (hg19) VCF-style: chr10-88820788-G-A.
Other names: c.544C>T, p.His182Tyr (NM_001318900.1); c.442C>T, p.His148Tyr (NM_001318901.1, NM_001318902.1, NM_001318904.2 and 2 more transcripts); short protein forms H148Y, H182Y, H315Y.
Identifiers: ClinVar variation 1802279 (VCV001802279.4), dbSNP rs2539820425, ClinGen allele CA377467838.